The following is an entry in ClinVar:

ClinVar aggregate classification (germline): Benign. Review status: criteria provided, multiple submitters, no conflicts (2 of 4 stars). 4 submissions from 4 submitters: Benign (2). 2 of the submissions do not count toward it. Last evaluated 2025-12-24.

Conditions:
ACACA-related disorder. Also called: ACACA-related condition.

Allele frequency attached by ClinVar (database versions not stated): gnomAD exomes 0.00046 and 0.00137; ExAC 0.00172; gnomAD 0.00532 and 0.00565; TOPMed 0.00598; ESP Exome Variant Server 0.00607; 1000 Genomes Project 0.00699; 1000 Genomes Project 30x 0.00734.
gnomAD v4.1: 1,526 of 1,613,132 alleles (0.095%); highest among the groups gnomAD compares: African/African-American, 1.8%; 18 homozygotes.

Submissions (4):

Labcorp Genetics (formerly Invitae), Labcorp
Classification: Benign. Last evaluated: 2025-12-24. Review status: criteria provided, single submitter. Criteria: Invitae Variant Classification Sherloc (09022015). Collection method: clinical testing. Allele origin: germline.

Breakthrough Genomics
Classification: Benign. Review status: criteria provided, single submitter. Criteria: ACMG Guidelines, 2015. Collection method: not provided. Allele origin: germline. Inheritance: Autosomal recessive inheritance. Affected: yes.

PreventionGenetics, part of Exact Sciences
Classification: Benign for ACACA-related condition. Last evaluated: 2019-06-27. Review status: no assertion criteria provided. Collection method: clinical testing. Allele origin: germline. Not counted in ClinVar's aggregate classification.
Comment: This variant is classified as benign based on ACMG/AMP sequence variant interpretation guidelines (Richards et al. 2015 PMID: 25741868, with internal and published modifications).

Mayo Clinic Laboratories, Mayo Clinic
Classification: Benign. Last evaluated: 2017-10-25. Review status: no assertion criteria provided. Collection method: clinical testing. Allele origin: unknown. Not counted in ClinVar's aggregate classification.

NM_198834.3(ACACA):c.3122-6G>A

Gene: ACACA (acetyl-CoA carboxylase alpha; minus strand). Cytogenetic location: 17q12.
Variant type: single nucleotide variant.
Coding change: c.3122-6G>A on transcript NM_198834.3 (MANE Select); 6 bases into the intron before coding-DNA position 3122, G replaced by A.
Molecular consequence: intron variant.
Genome position (GRCh38, 1-based): chr17:37,235,105, C>T on the plus strand (G>A on the coding strand, the complement: ACACA is on the minus strand). VCF-style: chr17-37235105-C-T. GRCh37 (hg19) VCF-style: chr17-35592020-C-T.
Other names: c.3011-6G>A (NM_198839.3, NM_198836.3); c.2837-6G>A (NM_198837.2); c.2777-6G>A (NM_198838.2); c.3122-6G>A (NM_198834.2).
Identifiers: ClinVar variation 559344 (VCV000559344.15), dbSNP rs148549486, ClinGen allele CA8515412.
Genomic context (GRCh38, chr17:37,235,105, plus strand): 5'-TTCATGTCACTTTTATTCTCTTCTCGGAGGGCGAATACACATTTGTCATAGTGACCTGCA[C>T]ACCATGAAAAGAACTGGTTCTCACCCATGTATAAATGTTCACATTTACATGCTATTTGTT-3'